The following is an entry in ClinVar:

NM_006231.4(POLE):c.5726G>A (p.Arg1909Gln)

Gene: POLE (DNA polymerase epsilon, catalytic subunit; minus strand). Cytogenetic location: 12q24.33.
Variant type: single nucleotide variant.
Coding change: c.5726G>A on transcript NM_006231.4 (MANE Select); coding-DNA position 5726, G replaced by A.
Protein change: p.Arg1909Gln; replaces arginine 1909 with glutamine.
Molecular consequence: missense variant.
Genome position (GRCh38, 1-based): chr12:132,635,977, C>T on the plus strand (G>A on the coding strand, the complement: POLE is on the minus strand). VCF-style: chr12-132635977-C-T. GRCh37 (hg19) VCF-style: chr12-133212563-C-T.
Other names: short protein forms R1909Q.
Identifiers: ClinVar variation 240571 (VCV000240571.15), dbSNP rs201455049, ClinGen allele CA6892411.
Genomic context (GRCh38, chr12:132,635,977, plus strand): 5'-ACTTTTCCTTTGATTCCGCCATAGTTAGATGGATCCATCCAGAGAAGAAATTCCCAGCAT[C>T]GAGAGAAAGAAATTGTCAGAGAATGGAAGGTCTCCTTTGAATGGATGCTGCAGAGGAAGC-3'
Protein context (NP_006222.2, residues 1899-1919): TFHSLTISFS[Arg1909Gln]CWEFLLWMDP

ClinVar aggregate classification (germline): Uncertain significance. Review status: criteria provided, multiple submitters, no conflicts (2 of 4 stars). 5 submissions from 5 submitters: Uncertain significance (5). Last evaluated 2025-12-03.

Conditions:
Familial colorectal cancer type X. Identifiers: Orphanet 440437, MedGen C3896578, MONDO:0018604.
Polymerase proofreading-related adenomatous polyposis. Also called: Polymerase proofreading associated polyposis; Polymerase proofreading–associated polyposis (PPAP). Identifiers: Orphanet 447877, MedGen C5202613, MONDO:0018653.
Hereditary cancer-predisposing syndrome. Also called: Tumor predisposition; Neoplastic Syndromes, Hereditary; Hereditary Cancer Syndrome; Hereditary neoplastic syndrome. Identifiers: Orphanet 140162, MedGen C0027672, MeSH D009386, MONDO:0015356.

Allele frequency attached by ClinVar (database versions not stated): gnomAD 0.00001 and 0.00002; TOPMed 0.00002; ExAC 0.00003; gnomAD exomes 0.00005; 1000 Genomes Project 30x 0.00016; 1000 Genomes Project 0.00020.
gnomAD v4.1: 44 of 1,613,934 alleles (0.0027%); highest among the groups gnomAD compares: South Asian, 0.0066%; no homozygotes.

Submissions (5):

Labcorp Genetics (formerly Invitae), Labcorp
Classification: Uncertain significance. Last evaluated: 2025-12-03. Review status: criteria provided, single submitter. Criteria: Invitae Variant Classification Sherloc (09022015). Collection method: clinical testing. Allele origin: germline.
Comment: This sequence change replaces arginine, which is basic and polar, with glutamine, which is neutral and polar, at codon 1909 of the POLE protein (p.Arg1909Gln). This variant is present in population databases (rs201455049, gnomAD 0.07%). This variant has not been reported in the literature in individuals affected with POLE-related conditions. ClinVar contains an entry for this variant (Variation ID: 240571). Invitae Evidence Modeling of protein sequence and biophysical properties (such as structural, functional, and spatial information, amino acid conservation, physicochemical variation, residue mobility, and thermodynamic stability) indicates that this missense variant is not expected to disrupt POLE protein function with a negative predictive value of 80%. In summary, the available evidence is currently insufficient to determine the role of this variant in disease. Therefore, it has been classified as a Variant of Uncertain Significance.

Ambry Genetics
Classification: Uncertain significance for Hereditary cancer-predisposing syndrome. Last evaluated: 2024-12-17. Review status: criteria provided, single submitter. Criteria: Ambry Variant Classification Scheme 2023. Collection method: clinical testing. Allele origin: germline.
Comment: The p.R1909Q variant (also known as c.5726G>A), located in coding exon 42 of the POLE gene, results from a G to A substitution at nucleotide position 5726. The arginine at codon 1909 is replaced by glutamine, an amino acid with highly similar properties. This amino acid position is highly conserved in available vertebrate species. In addition, the in silico prediction for this alteration is inconclusive. Based on the available evidence, the clinical significance of this variant remains unclear.

GeneDx
Classification: Uncertain significance. Last evaluated: 2024-04-01. Review status: criteria provided, single submitter. Criteria: GeneDx Variant Classification Process June 2021. Collection method: clinical testing. Allele origin: germline. Affected: yes.
Comment: In silico analysis supports that this missense variant does not alter protein structure/function; Has not been previously published as pathogenic or benign to our knowledge

Department of Pathology and Laboratory Medicine, Sinai Health System
Classification: Uncertain significance for Polymerase proofreading-related adenomatous polyposis; Familial colorectal cancer type X. Last evaluated: 2022-09-14. Review status: criteria provided, single submitter. Criteria: ACMG Guidelines, 2015. Collection method: clinical testing. Allele origin: germline. Affected: yes.

Women's Health and Genetics/Laboratory Corporation of America, LabCorp
Classification: Uncertain significance. Last evaluated: 2019-10-10. Review status: criteria provided, single submitter. Criteria: LabCorp Variant Classification Summary - May 2015. Collection method: clinical testing. Allele origin: germline.
Comment: Variant summary: POLE c.5726G>A (p.Arg1909Gln) results in a conservative amino acid change located in the C-terminal domain (IPR013697) of the encoded protein sequence. Four of five in-silico tools predict a benign effect of the variant on protein function. The variant allele was found at a frequency of 4.8e-05 in 251294 control chromosomes (gnomAD). The observed variant frequency is approximately 3 fold of the estimated maximal expected allele frequency for a pathogenic variant in POLE causing Colorectal Cancer phenotype (1.4e-05), suggesting that the variant may be benign. To our knowledge, no occurrence of c.5726G>A in individuals affected with Colorectal Cancer and no experimental evidence demonstrating its impact on protein function have been reported. Two ClinVar submitters (evaluation after 2014) cite the variant as uncertain significance. Based on the evidence outlined above, the variant was classified as VUS possibly benign.